The following is an entry in ClinVar:

ClinVar aggregate classification (germline): Uncertain significance. Review status: criteria provided, multiple submitters, no conflicts (2 of 4 stars). 3 submissions from 3 submitters: Uncertain significance (3). Last evaluated 2025-01-29.

Conditions:
Lymphatic malformation 3 (LMPHM3). Identifiers: Orphanet 79452, MedGen C4747646, MONDO:0013278, OMIM 613480.
Spastic paraplegia. Identifiers: MedGen C0037772, HP:0001258.

Submissions (3):

Women's Health and Genetics/Laboratory Corporation of America, LabCorp
Classification: Uncertain significance. Last evaluated: 2025-01-29. Review status: criteria provided, single submitter. Criteria: LabCorp Variant Classification Summary - May 2015. Collection method: clinical testing. Allele origin: germline.
Comment: Variant summary: GJC2 c.914dupC (p.Ala306GlyfsX42) results in a premature termination codon, in the last exon, therefore it is not expected to cause nonsense mediated decay (NMD), but is predicted to cause a truncation, removing a part of the 439 amino acids long protein. The variant allele was found at a frequency of 1.4e-05 in 1358296 control chromosomes in the gnomAD database (v4.1 dataset). This frequency is not higher than the maximum estimated for a pathogenic variant in GJC2 causing Hypomyelinating Leukodystrophy 2, allowing no conclusion about variant significance. To our knowledge, no occurrence of c.914dupC in individuals affected with Hypomyelinating Leukodystrophy 2 and no experimental evidence demonstrating its impact on protein function have been reported. However, truncation variants (at a similar protein level or) downstream from our variant have been reported in individuals affected with GJC2-related conditions (e.g. PMIDs: 29451896, 31912665). ClinVar contains an entry for this variant (Variation ID: 2083600). Based on the evidence outlined above, the variant was classified as uncertain significance.

Genomic Medicine Center of Excellence, King Faisal Specialist Hospital and Research Centre
Classification: Uncertain significance for Lymphatic malformation 3. Last evaluated: 2024-03-26. Review status: criteria provided, single submitter. Criteria: ACMG Guidelines, 2015. Collection method: clinical testing. Allele origin: germline.

Labcorp Genetics (formerly Invitae), Labcorp
Classification: Uncertain significance for Spastic paraplegia. Last evaluated: 2023-12-02. Review status: criteria provided, single submitter. Criteria: Invitae Variant Classification Sherloc (09022015). Collection method: clinical testing. Allele origin: germline.
Comment: This sequence change creates a premature translational stop signal (p.Ala306Glyfs*42) in the GJC2 gene. While this is not anticipated to result in nonsense mediated decay, it is expected to disrupt the last 134 amino acid(s) of the GJC2 protein. This variant is present in population databases (no rsID available, gnomAD 0.003%). This variant has not been reported in the literature in individuals affected with GJC2-related conditions. ClinVar contains an entry for this variant (Variation ID: 2083600). This variant disrupts the C-terminus of the GJC2 protein. Other variant(s) that disrupt this region (p.Pro309Alafs*34, p.Ala310Glyfs*42) have been observed in individuals with GJC2-related conditions (PMID: 29451896, 31912665). This suggests that this may be a clinically significant region of the protein. In summary, the available evidence is currently insufficient to determine the role of this variant in disease. Therefore, it has been classified as a Variant of Uncertain Significance.

Literature cited by the submitters: PubMed 29451896 (cited by Labcorp Genetics (formerly Invitae), Labcorp); PubMed 31912665 (cited by Labcorp Genetics (formerly Invitae), Labcorp).

NM_020435.4(GJC2):c.914dup (p.Ala306fs)

Gene: GJC2 (gap junction protein gamma 2; plus strand). Cytogenetic location: 1q42.13.
Variant type: Duplication.
Coding change: c.914dup on transcript NM_020435.4 (MANE Select); coding-DNA position 914, one base duplicated (C; older notation c.914dupC).
Protein change: p.Ala306fs; shifts the reading frame from alanine 306.
Molecular consequence: frameshift variant.
Genome position (GRCh38, 1-based): chr1:228,158,672, C duplicated; the last of 6 consecutive C bases (chr1:228,158,667-228,158,672); duplicating any one gives the same sequence. VCF-style (leftmost placement, unchanged base first): chr1-228158666-G-GC. GRCh37 (hg19) VCF-style: chr1-228346367-G-GC.
Other names: c.914dupC (NM_020435.4); short protein forms A306fs.
Identifiers: ClinVar variation 2083600 (VCV002083600.7), dbSNP rs973813602, ClinGen allele CA529465586.